The following is an entry in ClinVar:

ClinVar aggregate classification (germline): Benign/Likely benign. Review status: criteria provided, multiple submitters, no conflicts (2 of 4 stars). 8 submissions from 5 submitters: Benign (5); Likely benign (3). Last evaluated 2026-01-15.

Conditions:
Hypokalemic periodic paralysis, type 1. Also called: Hypokalemic Periodic Paralysis Type 1 (AD); HypoPP. Identifiers: Orphanet 681, MedGen C3714580, MONDO:0042979, OMIM 170400.
Malignant hyperthermia, susceptibility to, 5 (MHS5). Also called: CACNA1S-Related Malignant Hyperthermia Susceptibility. Identifiers: Orphanet 423, MedGen C1866077, MONDO:0011163, OMIM 601887.
Congenital myopathy 18. Also called: Myopathy, congenital, due to dihydropyridine receptor defect; DIHYDROPYRIDINE RECEPTOR CONGENITAL MYOPATHY; DHPR CONGENITAL MYOPATHY. Identifiers: MedGen C5830283, MONDO:0859514, OMIM 620246.
Thyrotoxic periodic paralysis, susceptibility to, 1 (TTPP1). Identifiers: Orphanet 79102, MedGen C2749982, MONDO:0008570, OMIM 188580.

Allele frequency attached by ClinVar (database versions not stated): gnomAD exomes 0.00009 and 0.00014; gnomAD 0.00011; ExAC 0.00013; TOPMed 0.00015.
gnomAD v4.1: 143 of 1,586,202 alleles (0.009%); highest among the groups gnomAD compares: Admixed American, 0.038%; no homozygotes.

Submissions (8):

Labcorp Genetics (formerly Invitae), Labcorp
Classification: Likely benign for Hypokalemic periodic paralysis, type 1; Malignant hyperthermia, susceptibility to, 5. Last evaluated: 2026-01-15. Review status: criteria provided, single submitter. Criteria: Invitae Variant Classification Sherloc (09022015). Collection method: clinical testing. Allele origin: germline.

All of Us Research Program, National Institutes of Health
Classification: Likely benign for Malignant hyperthermia, susceptibility to, 5. Last evaluated: 2024-02-05. Review status: criteria provided, single submitter. Criteria: ACMG Guidelines, 2015. Collection method: clinical testing. Allele origin: germline. Inheritance: Autosomal dominant inheritance. Observed: 27 variant alleles, 27 heterozygotes.
Comment: This study involves interpretation of variants in research participants for the purpose of population health screening. Participant phenotype was not available at the time of variant classification. Additional details can be found in publication PMID: 35346344, PMCID: PMC8962531

Genome-Nilou Lab
Classification: Benign for Malignant hyperthermia, susceptibility to, 5. Last evaluated: 2023-04-11. Review status: criteria provided, single submitter. Criteria: ACMG Guidelines, 2015. Collection method: clinical testing. Allele origin: germline. Affected: no.

Genome-Nilou Lab
Classification: Benign for Thyrotoxic periodic paralysis, susceptibility to, 1. Last evaluated: 2023-04-11. Review status: criteria provided, single submitter. Criteria: ACMG Guidelines, 2015. Collection method: clinical testing. Allele origin: germline. Affected: no.

Genome-Nilou Lab
Classification: Benign for Congenital myopathy 18. Last evaluated: 2023-04-11. Review status: criteria provided, single submitter. Criteria: ACMG Guidelines, 2015. Collection method: clinical testing. Allele origin: germline. Affected: no.

Genome-Nilou Lab
Classification: Benign for Hypokalemic periodic paralysis, type 1. Last evaluated: 2023-04-11. Review status: criteria provided, single submitter. Criteria: ACMG Guidelines, 2015. Collection method: clinical testing. Allele origin: germline. Affected: no.

Color Diagnostics, LLC DBA Color Health
Classification: Likely benign for Malignant hyperthermia, susceptibility to, 5. Last evaluated: 2022-11-08. Review status: criteria provided, single submitter. Criteria: ACMG Guidelines, 2015. Collection method: clinical testing. Allele origin: germline.

Illumina Laboratory Services, Illumina
Classification: Benign for Hypokalemic periodic paralysis, type 1. Last evaluated: 2018-01-12. Review status: criteria provided, single submitter. Criteria: ICSL Variant Classification Criteria 13 December 2019. Collection method: clinical testing. Allele origin: germline.
Comment: This variant was observed in the ICSL laboratory as part of a predisposition screen in an ostensibly healthy population. It had not been previously curated by ICSL or reported in the Human Gene Mutation Database (HGMD: prior to June 1st, 2018), and was therefore a candidate for classification through an automated scoring system. Utilizing variant allele frequency, disease prevalence and penetrance estimates, and inheritance mode, an automated score was calculated to assess if this variant is too frequent to cause the disease. Based on the score and internal cut-off values, a variant classified as benign is not then subjected to further curation. The score for this variant resulted in a classification of benign for this disease.

NM_000069.3(CACNA1S):c.3415-13G>T

Gene: CACNA1S (calcium voltage-gated channel subunit alpha1 S; minus strand). Cytogenetic location: 1q32.1.
Variant type: single nucleotide variant.
Coding change: c.3415-13G>T on transcript NM_000069.3 (MANE Select); 13 bases into the intron before coding-DNA position 3415, G replaced by T.
Molecular consequence: intron variant.
Genome position (GRCh38, 1-based): chr1:201,059,312, C>A on the plus strand (G>T on the coding strand, the complement: CACNA1S is on the minus strand). VCF-style: chr1-201059312-C-A. GRCh37 (hg19) VCF-style: chr1-201028440-C-A.
Identifiers: ClinVar variation 875662 (VCV000875662.15), dbSNP rs755431424, ClinGen allele CA079668.